The following is an entry in ClinVar:

NM_004100.5(EYA4):c.543C>G (p.Tyr181Ter)

Gene: EYA4 (EYA transcriptional coactivator and phosphatase 4; plus strand). Cytogenetic location: 6q23.2.
Variant type: single nucleotide variant.
Coding change: c.543C>G on transcript NM_004100.5 (MANE Select); coding-DNA position 543, C replaced by G.
Protein change: p.Tyr181Ter; replaces tyrosine 181 with a stop codon.
Molecular consequence: nonsense.
Genome position (GRCh38, 1-based): chr6:133,462,440, C>G. VCF-style: chr6-133462440-C-G. GRCh37 (hg19) VCF-style: chr6-133783578-C-G.
Other names: c.381C>G, p.Tyr127Ter (NM_001301012.2, NM_001370459.1); c.543C>G, p.Tyr181Ter (NM_001301013.2, NM_172105.4); c.474C>G, p.Tyr158Ter (NM_001370458.1, NM_172103.4); short protein forms Y127*, Y158*, Y181*.
Identifiers: ClinVar variation 4857391 (VCV004857391.1).

ClinVar aggregate classification (germline): Pathogenic (1 of 4 stars; one submission).

Conditions:
Autosomal dominant nonsyndromic hearing loss 10. Identifiers: Orphanet 90635, MedGen C1832476, MONDO:0011031, OMIM 601316.

Submission:

Precision Medicine Center, Zhengzhou University
Classification: Pathogenic for Autosomal dominant nonsyndromic hearing loss 10. Last evaluated: 2006-06-30. Review status: criteria provided, single submitter. Criteria: ClinGen HL ACMG Specifications v1. Collection method: clinical testing. Allele origin: paternal. Affected: yes.
Comment: PVS1+PP1_strong+PM2:The EYA4 c.543C>G variant is predicted to result in a premature termination codon leading to loss of normal protein function via nonsense-mediated decay (PVS1). The variant is absent or extremely rare in population databases (PM2). Segregation in five affected relatives for dominant (PMID: 33301229) (PP1_Strong). According to the ACMG/AMP guidelines, this variant is classified as Pathogenic.

Literature cited by the submitters: PubMed 33301229.